The following is an entry in ClinVar:

NM_032634.4(PIGO):c.2471C>G (p.Ala824Gly)

Gene: PIGO (phosphatidylinositol glycan anchor biosynthesis class O; minus strand). Cytogenetic location: 9p13.3.
Variant type: single nucleotide variant.
Coding change: c.2471C>G on transcript NM_032634.4 (MANE Select); coding-DNA position 2471, C replaced by G.
Protein change: p.Ala824Gly; replaces alanine 824 with glycine.
Molecular consequence: missense variant. On other transcripts: intron variant (2).
Genome position (GRCh38, 1-based): chr9:35,091,416, G>C on the plus strand (C>G on the coding strand, the complement: PIGO is on the minus strand). VCF-style: chr9-35091416-G-C. GRCh37 (hg19) VCF-style: chr9-35091413-G-C.
Other names: c.1345-125C>G (NM_152850.4, NM_001201484.2); c.2471C>G (NM_032634.3); short protein forms A824G.
Identifiers: ClinVar variation 1481327 (VCV001481327.9), dbSNP rs1248760414, ClinGen allele CA373319657.

ClinVar aggregate classification (germline): Uncertain significance. Review status: criteria provided, multiple submitters, no conflicts (2 of 4 stars). 2 submissions from 2 submitters: Uncertain significance (2). Last evaluated 2025-04-17.

Conditions:
Hyperphosphatasia with impaired intellectual development syndrome 2. Also called: Hyperphosphatasia with intellectual disability syndrome 2; GLYCOSYLPHOSPHATIDYLINOSITOL BIOSYNTHESIS DEFECT 6. Identifiers: Orphanet 247262, MedGen C3553637, MONDO:0013882, OMIM 614749.
Inborn genetic diseases. Identifiers: MedGen C0950123, MeSH D030342.

Submissions (2):

Labcorp Genetics (formerly Invitae), Labcorp
Classification: Uncertain significance for Hyperphosphatasia with impaired intellectual development syndrome 2. Last evaluated: 2025-04-17. Review status: criteria provided, single submitter. Criteria: Invitae Variant Classification Sherloc (09022015). Collection method: clinical testing. Allele origin: germline.
Comment: This sequence change replaces alanine, which is neutral and non-polar, with glycine, which is neutral and non-polar, at codon 824 of the PIGO protein (p.Ala824Gly). This variant is not present in population databases (gnomAD no frequency). This variant has not been reported in the literature in individuals affected with PIGO-related conditions. ClinVar contains an entry for this variant (Variation ID: 1481327). Invitae Evidence Modeling of protein sequence and biophysical properties (such as structural, functional, and spatial information, amino acid conservation, physicochemical variation, residue mobility, and thermodynamic stability) indicates that this missense variant is not expected to disrupt PIGO protein function with a negative predictive value of 80%. In summary, the available evidence is currently insufficient to determine the role of this variant in disease. Therefore, it has been classified as a Variant of Uncertain Significance.

Ambry Genetics
Classification: Uncertain significance for Inborn genetic diseases. Last evaluated: 2025-01-24. Review status: criteria provided, single submitter. Criteria: Ambry Variant Classification Scheme 2023. Collection method: clinical testing. Allele origin: germline.